The following is an entry in ClinVar:

ClinVar aggregate classification (germline): Uncertain significance (1 of 4 stars; one submission).

Allele frequency attached by ClinVar (database versions not stated): gnomAD 0.00001; TOPMed 0.00001.
gnomAD v4.1: 2 of 1,612,930 alleles (0.00012%); highest among the groups gnomAD compares: African/African-American, 0.0027%; no homozygotes.

Submission:

Labcorp Genetics (formerly Invitae), Labcorp
Classification: Uncertain significance. Last evaluated: 2023-09-11. Review status: criteria provided, single submitter. Criteria: Invitae Variant Classification Sherloc (09022015). Collection method: clinical testing. Allele origin: germline.
Comment: In summary, the available evidence is currently insufficient to determine the role of this variant in disease. Therefore, it has been classified as a Variant of Uncertain Significance. Algorithms developed to predict the effect of missense changes on protein structure and function output the following: SIFT: "Not Available"; PolyPhen-2: "Benign"; Align-GVGD: "Not Available". The alanine amino acid residue is found in multiple mammalian species, which suggests that this missense change does not adversely affect protein function. This variant has not been reported in the literature in individuals affected with PLG-related conditions. This variant is present in population databases (no rsID available, gnomAD 0.01%). This sequence change replaces glycine, which is neutral and non-polar, with alanine, which is neutral and non-polar, at codon 19 of the PLG protein (p.Gly19Ala).

NM_000301.5(PLG):c.56G>C (p.Gly19Ala)

Gene: PLG (plasminogen; plus strand). Cytogenetic location: 6q26.
Variant type: single nucleotide variant.
Coding change: c.56G>C on transcript NM_000301.5 (MANE Select); coding-DNA position 56, G replaced by C.
Protein change: p.Gly19Ala; replaces glycine 19 with alanine.
Molecular consequence: missense variant.
Genome position (GRCh38, 1-based): chr6:160,706,413, G>C. VCF-style: chr6-160706413-G-C. GRCh37 (hg19) VCF-style: chr6-161127445-G-C.
Other names: c.56G>C, p.Gly19Ala (NM_001168338.1); short protein forms G19A.
Identifiers: ClinVar variation 2971393 (VCV002971393.3), dbSNP rs753547888, ClinGen allele CA366356932.